The following is an entry in ClinVar:

ClinVar aggregate classification (germline): Uncertain significance. Review status: criteria provided, multiple submitters, no conflicts (2 of 4 stars). 2 submissions from 2 submitters: Uncertain significance (2). Last evaluated 2025-08-26.

Conditions:
Cognitive impairment - coarse facies - heart defects - obesity - pulmonary involvement - short stature - skeletal dysplasia syndrome. Also called: AFF4-Related CHOPS Syndrome; COGNITIVE IMPAIRMENT, COARSE FACIES, HEART DEFECTS, OBESITY, PULMONARY INVOLVEMENT, SHORT STATURE, AND SKELETAL DYSPLASIA; Chops syndrome. Identifiers: Orphanet 444077, MedGen C4085597, MONDO:0014609, OMIM 616368.

Submissions (2):

Labcorp Genetics (formerly Invitae), Labcorp
Classification: Uncertain significance for Cognitive impairment - coarse facies - heart defects - obesity - pulmonary involvement - short stature - skeletal dysplasia syndrome. Last evaluated: 2025-08-26. Review status: criteria provided, single submitter. Criteria: Invitae Variant Classification Sherloc (09022015). Collection method: clinical testing. Allele origin: germline.
Comment: This sequence change replaces proline, which is neutral and non-polar, with arginine, which is basic and polar, at codon 80 of the AFF4 protein (p.Pro80Arg). This variant is not present in population databases (gnomAD no frequency). This variant has not been reported in the literature in individuals affected with AFF4-related conditions. ClinVar contains an entry for this variant (Variation ID: 1987095). Invitae Evidence Modeling of protein sequence and biophysical properties (such as structural, functional, and spatial information, amino acid conservation, physicochemical variation, residue mobility, and thermodynamic stability) indicates that this missense variant is not expected to disrupt AFF4 protein function with a negative predictive value of 80%. In summary, the available evidence is currently insufficient to determine the role of this variant in disease. Therefore, it has been classified as a Variant of Uncertain Significance.

Laboratorio de Genetica e Diagnostico Molecular, Hospital Israelita Albert Einstein
Classification: Uncertain significance for Cognitive impairment - coarse facies - heart defects - obesity - pulmonary involvement - short stature - skeletal dysplasia syndrome. Last evaluated: 2022-07-07. Review status: criteria provided, single submitter. Criteria: ACMG Guidelines, 2015. Collection method: clinical testing. Allele origin: germline. Affected: yes. Observed: 1 variant allele.
Comment: ACMG classification criteria: PM2 moderated, BP4 supporting

NM_014423.4(AFF4):c.239C>G (p.Pro80Arg)

Gene: AFF4 (ALF transcription elongation factor 4; minus strand). Cytogenetic location: 5q31.1.
Variant type: single nucleotide variant.
Coding change: c.239C>G on transcript NM_014423.4 (MANE Select); coding-DNA position 239, C replaced by G.
Protein change: p.Pro80Arg; replaces proline 80 with arginine.
Molecular consequence: missense variant.
Genome position (GRCh38, 1-based): chr5:132,934,826, G>C on the plus strand (C>G on the coding strand, the complement: AFF4 is on the minus strand). VCF-style: chr5-132934826-G-C. GRCh37 (hg19) VCF-style: chr5-132270518-G-C.
Other names: short protein forms P80R.
Identifiers: ClinVar variation 1987095 (VCV001987095.5), dbSNP rs1391355644, ClinGen allele CA360962316.